The following is an entry in ClinVar:

ClinVar aggregate classification (germline): Conflicting classifications of pathogenicity. Review status: criteria provided, conflicting classifications (1 of 4 stars). 2 submissions from 2 submitters: Uncertain significance (1); Likely benign (1). Last evaluated 2023-09-05.

Allele frequency attached by ClinVar (database versions not stated): TOPMed below 0.00001; gnomAD 0.00002; ExAC 0.00003.
gnomAD v4.1: 11 of 1,537,774 alleles (0.00072%); highest among the groups gnomAD compares: South Asian, 0.0039%; no homozygotes.

Submissions (2):

Labcorp Genetics (formerly Invitae), Labcorp
Classification: Uncertain significance. Last evaluated: 2023-09-05. Review status: criteria provided, single submitter. Criteria: Invitae Variant Classification Sherloc (09022015). Collection method: clinical testing. Allele origin: germline.
Comment: Algorithms developed to predict the effect of sequence changes on RNA splicing suggest that this variant is not likely to affect RNA splicing. This variant has not been reported in the literature in individuals affected with ADGRV1-related conditions. The frequency data for this variant in the population databases is considered unreliable, as metrics indicate poor data quality at this position in the gnomAD database. In summary, the available evidence is currently insufficient to determine the role of this variant in disease. Therefore, it has been classified as a Variant of Uncertain Significance. This sequence change affects codon 2378 of the ADGRV1 mRNA. It is a 'silent' change, meaning that it does not change the encoded amino acid sequence of the ADGRV1 protein. It affects a nucleotide within the consensus splice site.

Blueprint Genetics
Classification: Likely benign. Last evaluated: 2021-08-04. Review status: criteria provided, single submitter. Criteria: ACMG Guidelines, 2015. Collection method: clinical testing. Allele origin: germline.

NM_032119.4(ADGRV1):c.7134C>T (p.Ser2378=)

Gene: ADGRV1 (adhesion G protein-coupled receptor V1; plus strand). Cytogenetic location: 5q14.3.
Variant type: single nucleotide variant.
Coding change: c.7134C>T on transcript NM_032119.4 (MANE Select); coding-DNA position 7134, C replaced by T.
Protein change: p.Ser2378=; no amino-acid change (serine 2378 retained).
Molecular consequence: synonymous variant. On other transcripts: non-coding transcript variant (1).
Genome position (GRCh38, 1-based): chr5:90,693,890, C>T. VCF-style: chr5-90693890-C-T. GRCh37 (hg19) VCF-style: chr5-89989707-C-T.
Identifiers: ClinVar variation 2870068 (VCV002870068.2), dbSNP rs773245441, ClinGen allele CA3339981.